The following is an entry in ClinVar:

NM_006158.5(NEFL):c.67C>T (p.Arg23Trp)

Gene: NEFL (neurofilament light chain; minus strand). Cytogenetic location: 8p21.2.
Variant type: single nucleotide variant.
Coding change: c.67C>T on transcript NM_006158.5 (MANE Select); coding-DNA position 67, C replaced by T.
Protein change: p.Arg23Trp; replaces arginine 23 with tryptophan.
Molecular consequence: missense variant.
Genome position (GRCh38, 1-based): chr8:24,956,449, G>A on the plus strand (C>T on the coding strand, the complement: NEFL is on the minus strand). VCF-style: chr8-24956449-G-A. GRCh37 (hg19) VCF-style: chr8-24813963-G-A.
Other names: short protein forms R23W.
Identifiers: ClinVar variation 954925 (VCV000954925.5), dbSNP rs772092001, ClinGen allele CA4681558.

ClinVar aggregate classification (germline): Uncertain significance (1 of 4 stars; one submission).

Conditions:
Charcot-Marie-Tooth disease type 2E (CMT2E). Also called: CHARCOT-MARIE-TOOTH NEUROPATHY, TYPE 2E; CHARCOT-MARIE-TOOTH DISEASE, AXONAL, TYPE 2E. Identifiers: Orphanet 99939, MedGen C1843225, MONDO:0011894, OMIM 607684.

Allele frequency attached by ClinVar (database versions not stated): ExAC 0.00002.
gnomAD v4.1: 2 of 1,604,172 alleles (0.00012%); highest among the groups gnomAD compares: East Asian, 0.0023%; no homozygotes.

Submission:

Labcorp Genetics (formerly Invitae), Labcorp
Classification: Uncertain significance for Charcot-Marie-Tooth disease type 2E. Last evaluated: 2023-11-13. Review status: criteria provided, single submitter. Criteria: Invitae Variant Classification Sherloc (09022015). Collection method: clinical testing. Allele origin: germline.
Comment: This sequence change replaces arginine, which is basic and polar, with tryptophan, which is neutral and slightly polar, at codon 23 of the NEFL protein (p.Arg23Trp). The frequency data for this variant in the population databases is considered unreliable, as metrics indicate poor data quality at this position in the gnomAD database. This variant has not been reported in the literature in individuals affected with NEFL-related conditions. ClinVar contains an entry for this variant (Variation ID: 954925). Advanced modeling of protein sequence and biophysical properties (such as structural, functional, and spatial information, amino acid conservation, physicochemical variation, residue mobility, and thermodynamic stability) has been performed at Invitae for this missense variant, however the output from this modeling did not meet the statistical confidence thresholds required to predict the impact of this variant on NEFL protein function. In summary, the available evidence is currently insufficient to determine the role of this variant in disease. Therefore, it has been classified as a Variant of Uncertain Significance.